The following is an entry in ClinVar:

NM_005921.2(MAP3K1):c.762C>T (p.Gly254=)

Gene: MAP3K1 (mitogen-activated protein kinase kinase kinase 1; plus strand). Cytogenetic location: 5q11.2.
Variant type: single nucleotide variant.
Coding change: c.762C>T on transcript NM_005921.2 (MANE Select); coding-DNA position 762, C replaced by T.
Protein change: p.Gly254=; no amino-acid change (glycine 254 retained).
Molecular consequence: synonymous variant.
Genome position (GRCh38, 1-based): chr5:56,859,843, C>T. VCF-style: chr5-56859843-C-T. GRCh37 (hg19) VCF-style: chr5-56155670-C-T.
Identifiers: ClinVar variation 772571 (VCV000772571.13), dbSNP rs199726815, ClinGen allele CA3272603.

ClinVar aggregate classification (germline): Benign/Likely benign. Review status: criteria provided, multiple submitters, no conflicts (2 of 4 stars). 3 submissions from 3 submitters: Benign (1); Likely benign (1). 1 of the submissions does not count toward it. Last evaluated 2023-12-07.

Conditions:
MAP3K1-related disorder. Also called: MAP3K1-related condition.
46,XY sex reversal 6. Also called: 46,XY SEX REVERSAL, PARTIAL OR COMPLETE, MAP3K1-RELATED; 46,XY GONADAL DYSGENESIS, PARTIAL OR COMPLETE, MAP3K1-RELATED. Identifiers: MedGen C3151064, MONDO:0013410, OMIM 613762.

Allele frequency attached by ClinVar (database versions not stated): gnomAD exomes 0.00014 and 0.00037; ExAC 0.00041; gnomAD 0.00138 and 0.00148; 1000 Genomes Project 0.00140; 1000 Genomes Project 30x 0.00141; ESP Exome Variant Server 0.00141; TOPMed 0.00153.
gnomAD v4.1: 414 of 1,613,862 alleles (0.026%); highest among the groups gnomAD compares: African/African-American, 0.5%; no homozygotes.

Submissions (4):

Blueprint Genetics
Classification: Likely benign. Last evaluated: 2023-12-07. Review status: criteria provided, single submitter. Criteria: ACMG Guidelines, 2015. Collection method: clinical testing. Allele origin: germline.

Labcorp Genetics (formerly Invitae), Labcorp
Classification: Benign for 46,XY sex reversal 6. Last evaluated: 2021-04-03. Review status: criteria provided, single submitter. Criteria: Invitae Variant Classification Sherloc (09022015). Collection method: clinical testing. Allele origin: germline.

PreventionGenetics, part of Exact Sciences
Classification: Likely benign for MAP3K1-related condition. Last evaluated: 2020-01-17. Review status: no assertion criteria provided. Collection method: clinical testing. Allele origin: germline. Not counted in ClinVar's aggregate classification.
Comment: This variant is classified as likely benign based on ACMG/AMP sequence variant interpretation guidelines (Richards et al. 2015 PMID: 25741868, with internal and published modifications).

Dr. Peter K. Rogan Lab, Western University
No classification provided (evidence only). Condition: Uterine corpus endometrial carcinoma. Review status: no classification provided. Collection method: in vitro. Allele origin: not applicable. Functional consequence: retained intron. Not counted in ClinVar's aggregate classification.